The following is an entry in ClinVar:

NM_001379081.2(FREM1):c.292A>G (p.Ile98Val)

Gene: FREM1 (FRAS1 related extracellular matrix 1; minus strand). Cytogenetic location: 9p22.3.
Variant type: single nucleotide variant.
Coding change: c.292A>G on transcript NM_001379081.2 (MANE Select); coding-DNA position 292, A replaced by G.
Protein change: p.Ile98Val; replaces isoleucine 98 with valine.
Molecular consequence: missense variant. On other transcripts: non-coding transcript variant (4).
Genome position (GRCh38, 1-based): chr9:14,863,846, T>C on the plus strand (A>G on the coding strand, the complement: FREM1 is on the minus strand). VCF-style: chr9-14863846-T-C. GRCh37 (hg19) VCF-style: chr9-14863844-T-C.
Other names: c.292A>G, p.Ile98Val (NM_001370060.1, NM_001370063.1, NM_001370065.1 and 1 more transcripts); short protein forms I98V.
Identifiers: ClinVar variation 289622 (VCV000289622.9), dbSNP rs371148891, ClinGen allele CA4991630.
Genomic context (GRCh38, chr9:14,863,846, plus strand): 5'-AGCGATGTTCCCGTGCCGCTTACCTGTAAAGTCTGAGCTTCACTGTGTCTTCATCAAGAA[T>C]TGGACAACCATTGTGAACATACTTGACTTCGTTGGGAAGGAAATGGCAGTCAAAGACCTA-3'
Protein context (NP_001366010.1, residues 88-108): EVKYVHNGCP[Ile98Val]LDEDTVKLRL

ClinVar aggregate classification (germline): Uncertain significance. Review status: criteria provided, multiple submitters, no conflicts (2 of 4 stars). 4 submissions from 4 submitters: Uncertain significance (4). Last evaluated 2026-01-22.

Conditions:
Oculotrichoanal syndrome (MOTA). Also called: MARLES SYNDROME; Manitoba Oculotrichoanal (MOTA) Syndrome. Identifiers: Orphanet 2717, MedGen C1855425, MONDO:0009560, OMIM 248450.
Trigonocephaly 2 (TRIGNO2). Identifiers: Orphanet 3366, MedGen C3280974, MONDO:0013774, OMIM 614485.
BNAR syndrome. Also called: Bifid Nose With or Without Anorectal and Renal Anomalies (BNAR) Syndrome. Identifiers: Orphanet 217266, MedGen C2750433, MONDO:0012165, OMIM 608980.

Allele frequency attached by ClinVar (database versions not stated): gnomAD exomes below 0.00001 and 0.00001; gnomAD 0.00001; ExAC 0.00002; TOPMed 0.00004; ESP Exome Variant Server 0.00008; 1000 Genomes Project 0.00020; 1000 Genomes Project 30x 0.00031.
gnomAD v4.1: 9 of 1,613,458 alleles (0.00056%); highest among the groups gnomAD compares: Middle Eastern, 0.016%; no homozygotes.

Submissions (4):

GeneDx
Classification: Uncertain significance. Last evaluated: 2026-01-22. Review status: criteria provided, single submitter. Criteria: GeneDx Variant Classification Process June 2021. Collection method: clinical testing. Allele origin: germline.
Comment: In silico analysis suggests that this missense variant does not alter protein structure/function; Has not been previously published as pathogenic or benign to our knowledge

Labcorp Genetics (formerly Invitae), Labcorp
Classification: Uncertain significance. Last evaluated: 2025-06-12. Review status: criteria provided, single submitter. Criteria: Invitae Variant Classification Sherloc (09022015). Collection method: clinical testing. Allele origin: germline.
Comment: This sequence change replaces isoleucine, which is neutral and non-polar, with valine, which is neutral and non-polar, at codon 98 of the FREM1 protein (p.Ile98Val). This variant is present in population databases (rs371148891, gnomAD 0.02%). This variant has not been reported in the literature in individuals affected with FREM1-related conditions. ClinVar contains an entry for this variant (Variation ID: 289622). Invitae Evidence Modeling of protein sequence and biophysical properties (such as structural, functional, and spatial information, amino acid conservation, physicochemical variation, residue mobility, and thermodynamic stability) has been performed for this missense variant. However, the output from this modeling did not meet the statistical confidence thresholds required to predict the impact of this variant on FREM1 protein function. In summary, the available evidence is currently insufficient to determine the role of this variant in disease. Therefore, it has been classified as a Variant of Uncertain Significance.

Fulgent Genetics
Classification: Uncertain significance for Oculotrichoanal syndrome; BNAR syndrome; Trigonocephaly 2. Last evaluated: 2022-01-26. Review status: criteria provided, single submitter. Criteria: ACMG Guidelines, 2015. Collection method: clinical testing. Allele origin: unknown.

Eurofins Ntd Llc (ga)
Classification: Uncertain significance. Last evaluated: 2016-07-26. Review status: criteria provided, single submitter. Criteria: EGL Classification Definitions 2015. Collection method: clinical testing. Allele origin: germline. Observed: 2 variant alleles, 2 heterozygotes.